The following is an entry in ClinVar:

NM_001042750.2(STAG2):c.618A>G (p.Gly206=)

Gene: STAG2 (STAG2 cohesin complex component; plus strand). Cytogenetic location: Xq25.
Variant type: single nucleotide variant.
Coding change: c.618A>G on transcript NM_001042750.2 (MANE Select); coding-DNA position 618, A replaced by G.
Protein change: p.Gly206=; no amino-acid change (glycine 206 retained).
Molecular consequence: synonymous variant.
Genome position (GRCh38, 1-based): chrX:124,045,319, A>G. VCF-style: chrX-124045319-A-G. GRCh37 (hg19) VCF-style: chrX-123179169-A-G.
Other names: c.618A>G, p.Gly206= (NM_001042749.2, NM_001042751.2, NM_001282418.2 and 2 more transcripts).
Identifiers: ClinVar variation 1031013 (VCV001031013.4), dbSNP rs2057840623, ClinGen allele CA518176370.

ClinVar aggregate classification (germline): Conflicting classifications of pathogenicity. Review status: criteria provided, conflicting classifications (1 of 4 stars). 2 submissions from 2 submitters: Uncertain significance (1); Likely benign (1). Last evaluated 2024-12-12.

Conditions:
Mullegama-Klein-Martinez syndrome. Also called: NEURODEVELOPMENTAL DISORDER, X-LINKED, WITH CRANIOFACIAL ABNORMALITIES. Identifiers: MedGen C5193008, MONDO:0026722, OMIM 301022.

Submissions (2):

Labcorp Genetics (formerly Invitae), Labcorp
Classification: Likely benign. Last evaluated: 2024-12-12. Review status: criteria provided, single submitter. Criteria: Invitae Variant Classification Sherloc (09022015). Collection method: clinical testing. Allele origin: germline.

Baylor Genetics
Classification: Uncertain significance for Mullegama-Klein-Martinez syndrome. Last evaluated: 2020-06-03. Review status: criteria provided, single submitter. Criteria: ACMG Guidelines, 2015. Collection method: clinical testing. Allele origin: unknown. Affected: yes.
Comment: This variant was determined to be of uncertain significance according to ACMG Guidelines, 2015 [PMID:25741868].